The following is an entry in ClinVar:

ClinVar aggregate classification (germline): Benign/Likely benign. Review status: criteria provided, multiple submitters, no conflicts (2 of 4 stars). 3 submissions from 3 submitters: Benign (1); Likely benign (2). Last evaluated 2025-12-17.

Conditions:
SEC61A1-related disorder. Also called: SEC61A1-related condition.

Allele frequency attached by ClinVar (database versions not stated): TOPMed 0.00033; gnomAD 0.00034 and 0.00031; ESP Exome Variant Server 0.00069.
gnomAD v4.1: 1,059 of 1,613,944 alleles (0.066%); highest among the groups gnomAD compares: Non-Finnish European, 0.088%; 1 homozygote.

Submissions (3):

Labcorp Genetics (formerly Invitae), Labcorp
Classification: Benign. Last evaluated: 2025-12-17. Review status: criteria provided, single submitter. Criteria: Invitae Variant Classification Sherloc (09022015). Collection method: clinical testing. Allele origin: germline.

PreventionGenetics, part of Exact Sciences
Classification: Likely benign for SEC61A1-related condition. Last evaluated: 2025-04-21. Review status: criteria provided, single submitter. Criteria: ACMG Guidelines, 2015. Collection method: clinical testing. Allele origin: germline.
Comment: This variant is classified as likely benign based on ACMG/AMP sequence variant interpretation guidelines (Richards et al. 2015 PMID: 25741868, with internal and published modifications).

Blueprint Genetics
Classification: Likely benign. Last evaluated: 2024-10-15. Review status: criteria provided, single submitter. Criteria: ACMG Guidelines, 2015. Collection method: clinical testing. Allele origin: germline.

NM_013336.4(SEC61A1):c.1002T>G (p.Arg334=)

Genes: RUVBL1 (RuvB like AAA ATPase 1; minus strand), SEC61A1 (SEC61 translocon subunit alpha 1; plus strand). Cytogenetic location: 3q21.3.
Variant type: single nucleotide variant.
Coding change: c.1002T>G on transcript NM_013336.4 (MANE Select); coding-DNA position 1002, T replaced by G.
Protein change: p.Arg334=; no amino-acid change (arginine 334 retained).
Molecular consequence: synonymous variant. On other transcripts: intron variant (1).
Genome position (GRCh38, 1-based): chr3:128,067,447, T>G. VCF-style: chr3-128067447-T-G. GRCh37 (hg19) VCF-style: chr3-127786290-T-G.
Other names: c.940-2227A>C (NM_001319086.1); c.1020T>G, p.Arg340= (NM_001400328.1); c.843T>G, p.Arg281= (NM_001400329.1).
Identifiers: ClinVar variation 1169855 (VCV001169855.11), dbSNP rs143414303, ClinGen allele CA2598556.
Genomic context (GRCh38, chr3:128,067,447, plus strand): 5'-AGCACTCACATGCGTTTGGTTTCTTCTTCCCCAGGACACGTCTTCTGGGGGCCCAGCACG[T>G]GCTTATCCAGTTGGTGGCCTTTGCTATTACCTGTCCCCTCCAGAATCTTTTGGCTCCGTG-3'
Protein context (NP_037468.1, residues 324-344): WSDTSSGGPA[Arg334=]AYPVGGLCYY